The following is an entry in ClinVar:

NM_001378457.1(DMXL2):c.5486TCA[1] (p.Ile1830del)

Gene: DMXL2 (Dmx like 2; minus strand). Cytogenetic location: 15q21.2.
Variant type: Microsatellite.
Coding change: c.5486TCA[1] on transcript NM_001378457.1 (MANE Select); one copy of the 3-base unit TCA starting at c.5486; the reference has two copies in a row; one copy, 3 bases deleted.
Protein change: p.Ile1830del; deletes isoleucine 1830.
Molecular consequence: inframe deletion. On other transcripts: non-coding transcript variant (2).
Genome position (GRCh38, 1-based): chr15:51,481,615-51,481,617, TGA deleted on the plus strand (TCA on the coding strand, the reverse complement: DMXL2 is on the minus strand); deleting any 3 consecutive bases within chr15:51,481,615-51,481,621 gives the same sequence; the position shown is the placement nearest the transcript's 3' end. VCF-style (leftmost placement, unchanged base first): chr15-51481614-TTGA-T. GRCh37 (hg19) VCF-style: chr15-51773811-TTGA-T.
Other names: c.5486TCA[1], p.Ile1830del (NM_001174116.3, NM_001378458.1, NM_001378459.1 and 4 more transcripts); c.3578TCA[1], p.Ile1194del (NM_001174117.3); c.3467TCA[1], p.Ile1157del (NM_001378460.1); c.5246TCA[1], p.Ile1750del (NM_001378464.1); short protein forms I1750del, I1157del, I1194del, I1830del.
Identifiers: ClinVar variation 1975722 (VCV001975722.6), dbSNP rs757745127, ClinGen allele CA7561778.

ClinVar aggregate classification (germline): Uncertain significance. Review status: criteria provided, multiple submitters, no conflicts (2 of 4 stars). 2 submissions from 2 submitters: Uncertain significance (2). Last evaluated 2022-10-09.

Submissions (2):

Blueprint Genetics
Classification: Uncertain significance. Last evaluated: 2022-10-09. Review status: criteria provided, single submitter. Criteria: ACMG Guidelines, 2015. Collection method: clinical testing. Allele origin: germline.

Labcorp Genetics (formerly Invitae), Labcorp
Classification: Uncertain significance. Last evaluated: 2021-12-18. Review status: criteria provided, single submitter. Criteria: Invitae Variant Classification Sherloc (09022015). Collection method: clinical testing. Allele origin: germline.
Comment: Experimental studies and prediction algorithms are not available or were not evaluated, and the functional significance of this variant is currently unknown. This variant has not been reported in the literature in individuals affected with DMXL2-related conditions. This variant is present in population databases (rs757745127, gnomAD 0.001%). This variant, c.5489_5491del, results in the deletion of 1 amino acid(s) of the DMXL2 protein (p.Ile1830del), but otherwise preserves the integrity of the reading frame. In summary, the available evidence is currently insufficient to determine the role of this variant in disease. Therefore, it has been classified as a Variant of Uncertain Significance.